The following is an entry in ClinVar:

ClinVar aggregate classification (germline): Uncertain significance (1 of 4 stars; one submission).

Conditions:
Glycogen storage disease IXa1. Also called: GLYCOGEN STORAGE DISEASE VIII; GSD VIII; Glycogen storage disease 8; LIVER GLYCOGENOSIS, X-LINKED, TYPE I. Identifiers: Orphanet 264580, MedGen C3694531, MONDO:0010598, OMIM 306000.

Submission:

Labcorp Genetics (formerly Invitae), Labcorp
Classification: Uncertain significance for Glycogen storage disease IXa1. Last evaluated: 2023-09-10. Review status: criteria provided, single submitter. Criteria: Invitae Variant Classification Sherloc (09022015). Collection method: clinical testing. Allele origin: germline.
Comment: This variant is not present in population databases (gnomAD no frequency). This sequence change replaces aspartic acid, which is acidic and polar, with asparagine, which is neutral and polar, at codon 180 of the PHKA2 protein (p.Asp180Asn). This missense change has been observed in individuals with clinical features of glycogen storage disease (PMID: 28627441; Invitae). An algorithm developed to predict the effect of missense changes on protein structure and function (PolyPhen-2) suggests that this variant is likely to be disruptive. In summary, the available evidence is currently insufficient to determine the role of this variant in disease. Therefore, it has been classified as a Variant of Uncertain Significance.

Literature cited by the submitters: PubMed 28627441.

NM_000292.3(PHKA2):c.538G>A (p.Asp180Asn)

Gene: PHKA2 (phosphorylase kinase regulatory subunit alpha 2; minus strand). Cytogenetic location: Xp22.13.
Variant type: single nucleotide variant.
Coding change: c.538G>A on transcript NM_000292.3 (MANE Select); coding-DNA position 538, G replaced by A.
Protein change: p.Asp180Asn; replaces aspartic acid 180 with asparagine.
Molecular consequence: missense variant.
Genome position (GRCh38, 1-based): chrX:18,945,158, C>T on the plus strand (G>A on the coding strand, the complement: PHKA2 is on the minus strand). VCF-style: chrX-18945158-C-T. GRCh37 (hg19) VCF-style: chrX-18963276-C-T.
Other names: short protein forms D180N.
Identifiers: ClinVar variation 2737096 (VCV002737096.3), dbSNP rs2518488149, ClinGen allele CA412372840.
Genomic context (GRCh38, chrX:18,945,158, plus strand): 5'-TTGCATTCAATTCCGGGATGCCCTGATTAGTCTTATCTCCACGCTCCCACATTCCATAAT[C>T]CTGGGGGAGAAAAAGGTGGGAATCAGAGGGGAGAAAGAGGTATATAAGAAGTGCTATGGG-3'
Protein context (NP_000283.1, residues 170-190): FYIEAAYKVA[Asp180Asn]YGMWERGDKT